The following is an entry in ClinVar:

ClinVar aggregate classification (germline): Uncertain significance (1 of 4 stars; one submission).

Submission:

Labcorp Genetics (formerly Invitae), Labcorp
Classification: Uncertain significance. Last evaluated: 2022-07-26. Review status: criteria provided, single submitter. Criteria: Invitae Variant Classification Sherloc (09022015). Collection method: clinical testing. Allele origin: germline.
Comment: This sequence change replaces glycine, which is neutral and non-polar, with valine, which is neutral and non-polar, at codon 172 of the FLNB protein (p.Gly172Val). This variant is not present in population databases (gnomAD no frequency). In summary, the available evidence is currently insufficient to determine the role of this variant in disease. Therefore, it has been classified as a Variant of Uncertain Significance. Algorithms developed to predict the effect of sequence changes on RNA splicing suggest that this variant may create or strengthen a splice site. Advanced modeling of protein sequence and biophysical properties (such as structural, functional, and spatial information, amino acid conservation, physicochemical variation, residue mobility, and thermodynamic stability) performed at Invitae indicates that this missense variant is expected to disrupt FLNB protein function. This variant has not been reported in the literature in individuals affected with FLNB-related conditions.

NM_001457.4(FLNB):c.515G>T (p.Gly172Val)

Gene: FLNB (filamin B; plus strand). Cytogenetic location: 3p14.3.
Variant type: single nucleotide variant.
Coding change: c.515G>T on transcript NM_001457.4 (MANE Select); coding-DNA position 515, G replaced by T.
Protein change: p.Gly172Val; replaces glycine 172 with valine.
Molecular consequence: missense variant.
Genome position (GRCh38, 1-based): chr3:58,077,268, G>T. VCF-style: chr3-58077268-G-T. GRCh37 (hg19) VCF-style: chr3-58062995-G-T.
Other names: c.515G>T, p.Gly172Val (NM_001164317.2, NM_001164318.2, NM_001164319.2); short protein forms G172V.
Identifiers: ClinVar variation 2083254 (VCV002083254.4), dbSNP rs2470991074, ClinGen allele CA353333601.